The following is an entry in ClinVar:

NM_006231.4(POLE):c.4149+5G>C

Gene: POLE (DNA polymerase epsilon, catalytic subunit; minus strand). Cytogenetic location: 12q24.33.
Variant type: single nucleotide variant.
Coding change: c.4149+5G>C on transcript NM_006231.4 (MANE Select); 5 bases into the intron after coding-DNA position 4149, G replaced by C.
Molecular consequence: intron variant.
Genome position (GRCh38, 1-based): chr12:132,648,924, C>G on the plus strand (G>C on the coding strand, the complement: POLE is on the minus strand). VCF-style: chr12-132648924-C-G. GRCh37 (hg19) VCF-style: chr12-133225510-C-G.
Identifiers: ClinVar variation 2819085 (VCV002819085.3), dbSNP rs2042348998, ClinGen allele CA2727554406.
Genomic context (GRCh38, chr12:132,648,924, plus strand): 5'-AGATCATGGGAAAGCCACCTCAGGCTGCCCAGATGACTGCAGAGGCAGCACCAGCTCCTC[C>G]CTACCTTGCGATACGAAGCACCCTCCTCCGCTTTAGCGACTCGCTGGTTCACGTAGAACA-3'

ClinVar aggregate classification (germline): Uncertain significance (1 of 4 stars; one submission).

Submission:

Labcorp Genetics (formerly Invitae), Labcorp
Classification: Uncertain significance. Last evaluated: 2022-12-07. Review status: criteria provided, single submitter. Criteria: Invitae Variant Classification Sherloc (09022015). Collection method: clinical testing. Allele origin: germline.
Comment: In summary, the available evidence is currently insufficient to determine the role of this variant in disease. Therefore, it has been classified as a Variant of Uncertain Significance. Variants that disrupt the consensus splice site are a relatively common cause of aberrant splicing (PMID: 17576681, 9536098). Algorithms developed to predict the effect of sequence changes on RNA splicing suggest that this variant may disrupt the consensus splice site. This variant has not been reported in the literature in individuals affected with POLE-related conditions. This variant is not present in population databases (gnomAD no frequency). This sequence change falls in intron 32 of the POLE gene. It does not directly change the encoded amino acid sequence of the POLE protein. It affects a nucleotide within the consensus splice site.

Literature cited by the submitters: PubMed 17576681; PubMed 9536098.